The following is an entry in ClinVar:

ClinVar aggregate classification (germline): Uncertain significance. Review status: criteria provided, multiple submitters, no conflicts (2 of 4 stars). 5 submissions from 5 submitters: Uncertain significance (5). Last evaluated 2026-02-06.

Conditions:
Dilated cardiomyopathy 1G (CMD1G). Identifiers: Orphanet 154, MedGen C1858763, MONDO:0011400, OMIM 604145.
Autosomal recessive limb-girdle muscular dystrophy type 2J (LGMDR10). Also called: Limb-girdle muscular dystrophy, type 2J; MUSCULAR DYSTROPHY, LIMB-GIRDLE, AUTOSOMAL RECESSIVE 10. Identifiers: Orphanet 140922, MedGen C1837342, MONDO:0012127, OMIM 608807.

Allele frequency attached by ClinVar (database versions not stated): gnomAD exomes 0.00001 and 0.00002; gnomAD 0.00002; TOPMed 0.00002.
gnomAD v4.1: 31 of 1,595,462 alleles (0.0019%); highest among the groups gnomAD compares: Non-Finnish European, 0.0026%; no homozygotes.

Submissions (5):

GeneDx
Classification: Uncertain significance. Last evaluated: 2026-02-06. Review status: criteria provided, single submitter. Criteria: GeneDx Variant Classification Process June 2021. Collection method: clinical testing. Allele origin: germline. Affected: yes.
Comment: Not observed at significant frequency in large population cohorts (gnomAD); Missense variant in a gene in which most reported pathogenic variants are truncating/loss of function; This variant is associated with the following publications: (PMID: 23975875, 30665247, 38050027)

Women's Health and Genetics/Laboratory Corporation of America, LabCorp
Classification: Uncertain significance. Last evaluated: 2020-02-03. Review status: criteria provided, single submitter. Criteria: LabCorp Variant Classification Summary - May 2015. Collection method: clinical testing. Allele origin: germline.
Comment: Variant summary: TTN c.92992A>G (p.Thr30998Ala) results in a non-conservative amino acid change located in the A-band domain of the encoded protein sequence. Three of five in-silico tools predict a damaging effect of the variant on protein function. The variant allele was found at a frequency of 1.3e-05 in 238290 control chromosomes (gnomAD). The available data on variant occurrences in the general population are insufficient to allow any conclusion about variant significance. c.92992A>G has been reported in the literature in one individual affected with Titinopathy/congenital fiber type disproportion. However, co-occurrence with another pathogenic variant has been reported in this patient (TTN c.72880delA / p.S24294fs), providing supporting evidence for a benign role (Waldrop_2019). To our knowledge, no experimental evidence demonstrating an impact on protein function has been reported. Three ClinVar submitters (evaluation after 2014) cite the variant as uncertain significance (2x) and likely benign (1x). Based on the evidence outlined above, the variant was classified as VUS-possibly benign.

CeGaT Center for Human Genetics Tuebingen
Classification: Uncertain significance. Last evaluated: 2018-08-01. Review status: criteria provided, single submitter. Criteria: CeGaT Center For Human Genetics Tuebingen Variant Classification Criteria Version 2. Collection method: clinical testing. Allele origin: germline. Affected: yes. Observed: 4 variant alleles.

Labcorp Genetics (formerly Invitae), Labcorp
Classification: Uncertain significance for Dilated cardiomyopathy 1G; Autosomal recessive limb-girdle muscular dystrophy type 2J. Last evaluated: 2017-12-07. Review status: criteria provided, single submitter. Criteria: Invitae Variant Classification Sherloc (09022015). Collection method: clinical testing. Allele origin: germline.

Eurofins Ntd Llc (ga)
Classification: Uncertain significance. Last evaluated: 2017-03-20. Review status: criteria provided, single submitter. Criteria: EGL Classification Definitions 2015. Collection method: clinical testing. Allele origin: germline. Observed: 1 variant allele, 1 heterozygote.

Literature cited by the submitters: PubMed 30665247 (cited by Women's Health and Genetics/Laboratory Corporation of America, LabCorp).

NM_001267550.2(TTN):c.100696A>G (p.Thr33566Ala)

Genes: TTN (titin; minus strand), TTN-AS1 (TTN antisense RNA 1; plus strand). Cytogenetic location: 2q31.2.
Variant type: single nucleotide variant.
Coding change: c.100696A>G on transcript NM_001267550.2 (MANE Select); coding-DNA position 100696, A replaced by G.
Protein change: p.Thr33566Ala; replaces threonine 33566 with alanine.
Molecular consequence: missense variant.
Genome position (GRCh38, 1-based): chr2:178,536,051, T>C on the plus strand (A>G on the coding strand, the complement: TTN is on the minus strand). VCF-style: chr2-178536051-T-C. GRCh37 (hg19) VCF-style: chr2-179400778-T-C.
Other names: c.95773A>G, p.Thr31925Ala (NM_001256850.1); c.73501A>G, p.Thr24501Ala (NM_003319.4); c.92992A>G, p.Thr30998Ala (NM_133378.4); c.73876A>G, p.Thr24626Ala (NM_133432.3); c.74077A>G, p.Thr24693Ala (NM_133437.4); c.100696A>G (NM_001267550.1); short protein forms T33566A, T30998A, T24501A, T31925A, T24626A, T24693A.
Identifiers: ClinVar variation 238689 (VCV000238689.55), dbSNP rs878854282, ClinGen allele CA10581826.
Genomic context (GRCh38, chr2:178,536,051, plus strand): 5'-CCAAGGAGGCAGTGCCAGACACAGATCCCCCTTGGTTGGTAGCTCTGACTTGGTAAACTG[T>C]GGCATCATCATCTGTGACACTTGCAATGATGAGCTGGTGGTAGCCACCCTTAAATTCTTG-3'
Protein context (NP_001254479.2, residues 33556-33576): IIASVTDDDA[Thr33566Ala]VYQVRATNQG